The following is an entry in ClinVar:

NM_003105.6(SORL1):c.808G>A (p.Glu270Lys)

Gene: SORL1 (sortilin related receptor 1; plus strand). Cytogenetic location: 11q24.1.
Variant type: single nucleotide variant.
Coding change: c.808G>A on transcript NM_003105.6 (MANE Select); coding-DNA position 808, G replaced by A.
Protein change: p.Glu270Lys; replaces glutamic acid 270 with lysine.
Molecular consequence: missense variant.
Genome position (GRCh38, 1-based): chr11:121,496,918, G>A. VCF-style: chr11-121496918-G-A. GRCh37 (hg19) VCF-style: chr11-121367627-G-A.
Other names: short protein forms E270K.
Identifiers: ClinVar variation 1209973 (VCV001209973.41), dbSNP rs117260922, ClinGen allele CA6328480.
Genomic context (GRCh38, chr11:121,496,918, plus strand): 5'-TTTTCTGCCAGGGGAATTGATCCCTATGACAAACCAAATACCATCTACATTGAACGACAT[G>A]AACCCTCTGGCTACTCCACTGTCTTCCGAAGTACAGATTTCTTCCAGTCCCGGGAAAACC-3'
Protein context (NP_003096.2, residues 260-280): KPNTIYIERH[Glu270Lys]PSGYSTVFRS

ClinVar aggregate classification (germline): Benign. Review status: criteria provided, multiple submitters, no conflicts (2 of 4 stars). 5 submissions from 5 submitters: Benign (3). 2 of the submissions do not count toward it. Last evaluated 2026-01-01.

Allele frequency attached by ClinVar (database versions not stated): ESP Exome Variant Server 0.00746; 1000 Genomes Project 0.00779; 1000 Genomes Project 30x 0.00921; gnomAD 0.01415 and 0.01456; ExAC 0.01468; TOPMed 0.01505; gnomAD exomes 0.01523 and 0.01783.
gnomAD v4.1: 28,342 of 1,612,990 alleles (1.8%); highest among the groups gnomAD compares: Middle Eastern, 4.9%; 279 homozygotes.

Submissions (5):

CeGaT Center for Human Genetics Tuebingen
Classification: Benign. Last evaluated: 2026-01-01. Review status: criteria provided, single submitter. Criteria: CeGaT Center For Human Genetics Tuebingen Variant Classification Criteria Version 2. Collection method: clinical testing. Allele origin: germline. Affected: yes. Observed: 6 variant alleles.
Comment: SORL1: BS1, BS2

Mendelics
Classification: Benign. Last evaluated: 2022-05-04. Review status: criteria provided, single submitter. Criteria: Mendelics Assertion Criteria 2019. Collection method: clinical testing. Allele origin: germline.

Breakthrough Genomics
Classification: Benign. Review status: criteria provided, single submitter. Criteria: ACMG Guidelines, 2015. Collection method: not provided. Allele origin: germline. Inheritance: Unknown mechanism. Affected: yes.

Clinical Genetics DNA and cytogenetics Diagnostics Lab, Erasmus MC, Erasmus Medical Center
Classification: Benign. Review status: no assertion criteria provided. Collection method: clinical testing. Allele origin: germline. Affected: yes. Study: VKGL Data-share Consensus. Not counted in ClinVar's aggregate classification.

Genome Diagnostics Laboratory, Amsterdam University Medical Center
Classification: Benign. Review status: no assertion criteria provided. Collection method: clinical testing. Allele origin: germline. Affected: yes. Study: VKGL Data-share Consensus. Not counted in ClinVar's aggregate classification.